The following is an entry in ClinVar:

ClinVar aggregate classification (germline): Uncertain significance (1 of 4 stars; one submission).

Conditions:
GATA3-related disorder. Also called: GATA3-related condition.

gnomAD v4.1: 5 of 1,560,190 alleles (0.00032%); highest among the groups gnomAD compares: African/African-American, 0.0068%; no homozygotes.

Submission:

PreventionGenetics, part of Exact Sciences
Classification: Uncertain significance for GATA3-related condition. Last evaluated: 2025-08-01. Review status: criteria provided, single submitter. Criteria: ACMG Guidelines, 2015. Collection method: clinical testing. Allele origin: germline.
Comment: The GATA3 c.230C>T variant is predicted to result in the amino acid substitution p.Pro77Leu. To our knowledge, this variant has not been reported in the literature. This variant is reported in 0.023% of alleles in individuals of African descent in gnomAD. Although we suspect that this variant may be benign, at this time, the clinical significance of this variant is uncertain due to the absence of conclusive functional and genetic evidence.

NM_001002295.2(GATA3):c.230C>T (p.Pro77Leu)

Genes: GATA3 (GATA binding protein 3; plus strand), LOC130003278 (ATAC-STARR-seq lymphoblastoid silent region 2118; plus strand). Cytogenetic location: 10p14.
Variant type: single nucleotide variant.
Coding change: c.230C>T on transcript NM_001002295.2 (MANE Select); coding-DNA position 230, C replaced by T.
Protein change: p.Pro77Leu; replaces proline 77 with leucine.
Molecular consequence: missense variant.
Genome position (GRCh38, 1-based): chr10:8,055,885, C>T. VCF-style: chr10-8055885-C-T. GRCh37 (hg19) VCF-style: chr10-8097848-C-T.
Other names: c.230C>T, p.Pro77Leu (NM_001441115.1, NM_001441116.1, NM_001441117.1 and 18 more transcripts); short protein forms P77L.
Identifiers: ClinVar variation 4977040 (VCV004977040.1).